The following is an entry in ClinVar:

NM_000103.4(CYP19A1):c.1224C>T (p.Pro408=)

Genes: CYP19A1 (cytochrome P450 family 19 subfamily A member 1; minus strand), MIR4713HG (MIR4713 host gene; plus strand), PIRC66 (piwi-interacting RNA cluster 66; plus strand). Cytogenetic location: 15q21.2.
Variant type: single nucleotide variant.
Coding change: c.1224C>T on transcript NM_000103.4 (MANE Select); coding-DNA position 1224, C replaced by T.
Protein change: p.Pro408=; no amino-acid change (proline 408 retained).
Molecular consequence: synonymous variant.
Genome position (GRCh38, 1-based): chr15:51,212,359, G>A on the plus strand (C>T on the coding strand, the complement: CYP19A1 is on the minus strand). VCF-style: chr15-51212359-G-A. GRCh37 (hg19) VCF-style: chr15-51504556-G-A.
Other names: c.1224C>T, p.Pro408= (NM_001347248.1, NM_001347249.2, NM_001347250.2 and 7 more transcripts).
Identifiers: ClinVar variation 748618 (VCV000748618.14), dbSNP rs2304461, ClinGen allele CA7559842.
Genomic context (GRCh38, chr15:51,212,359, plus strand): 5'-GTTTTAAGGAAGGGCTCTTACATTCTTTGCAAAATTTTCAAGAGTAAATTCATTGGGTTT[G>A]GGGAAAAACTCGAGTCTGTGCATCCTTCCAATATTCAGGATAATGTTTGTCCCCTTTTTC-3'
Protein context (NP_000094.2, residues 398-418): IGRMHRLEFF[Pro408=]KPNEFTLENF

ClinVar aggregate classification (germline): Benign. Review status: criteria provided, multiple submitters, no conflicts (2 of 4 stars). 3 submissions from 3 submitters: Benign (2). 1 of the submissions does not count toward it. Last evaluated 2026-01-26.

Conditions:
Aromatase deficiency. Also called: Increased aromatase activity; PSEUDOHERMAPHRODITISM, FEMALE, DUE TO PLACENTAL AROMATASE DEFICIENCY. Identifiers: Orphanet 91, MedGen C1960539, MONDO:0013301, OMIM 613546.

Allele frequency attached by ClinVar (database versions not stated): TOPMed 0.00008; gnomAD 0.00009 and 0.00033; gnomAD exomes 0.00011 and 0.00083; ExAC 0.00014; 1000 Genomes Project 30x 0.00141; 1000 Genomes Project 0.00180.
gnomAD v4.1: 1,207 of 1,599,276 alleles (0.075%); highest among the groups gnomAD compares: East Asian, 2.7%; 21 homozygotes.

Submissions (3):

Labcorp Genetics (formerly Invitae), Labcorp
Classification: Benign. Last evaluated: 2026-01-26. Review status: criteria provided, single submitter. Criteria: Invitae Variant Classification Sherloc (09022015). Collection method: clinical testing. Allele origin: germline.

Illumina Laboratory Services, Illumina
Classification: Benign for Aromatase deficiency. Last evaluated: 2017-04-27. Review status: criteria provided, single submitter. Criteria: ICSL Variant Classification Criteria 13 December 2019. Collection method: clinical testing. Allele origin: germline.
Comment: This variant was observed as part of a predisposition screen in an ostensibly healthy population. A literature search was performed for the gene, cDNA change, and amino acid change (where applicable). Publications were found based on this search. The evidence from the literature, in combination with allele frequency data from public databases where available, was sufficient to rule this variant out of causing disease. Therefore, this variant is classified as benign.

Natera, Inc.
Classification: Benign for Aromatase deficiency. Last evaluated: 2020-01-11. Review status: no assertion criteria provided. Collection method: clinical testing. Allele origin: germline. Not counted in ClinVar's aggregate classification.

Literature cited by the submitters: PubMed 16882736 (cited by Illumina Laboratory Services, Illumina).